The following is an entry in ClinVar:

NM_006147.4(IRF6):c.108_109delinsG (p.Phe36fs)

Gene: IRF6 (interferon regulatory factor 6; minus strand). Cytogenetic location: 1q32.2.
Variant type: Indel.
Coding change: c.108_109delinsG on transcript NM_006147.4 (MANE Select); coding-DNA positions 108 to 109, CC replaced by G.
Protein change: p.Phe36fs; shifts the reading frame from phenylalanine 36.
Molecular consequence: frameshift variant. On other transcripts: intron variant (1).
Genome position (GRCh38, 1-based): chr1:209,801,305-209,801,306, GG replaced by C on the plus strand (CC replaced by G on the coding strand, the reverse complement: IRF6 is on the minus strand). VCF-style: chr1-209801305-GG-C. GRCh37 (hg19) VCF-style: chr1-209974650-GG-C.
Other names: c.-112+4641_-112+4642delinsG (NM_001206696.2); short protein forms F36fs.
Identifiers: ClinVar variation 972274 (VCV000972274.6), dbSNP rs2077940243, ClinGen allele CA1139656524.

ClinVar aggregate classification (germline): Pathogenic (1 of 4 stars; one submission).

Conditions:
Popliteal pterygium syndrome (PPS). Identifiers: Orphanet 294963, MedGen C0265259, MONDO:0017435.
Orofacial cleft 6, susceptibility to (OFC6). Also called: CLEFT LIP WITH OR WITHOUT CLEFT PALATE, NONSYNDROMIC, 6. Identifiers: MedGen C1837213, MONDO:0012141, OMIM 608864.
Van der Woude syndrome. Identifiers: Orphanet 888, MedGen C0175697, MONDO:0019508.

Submission:

Labcorp Genetics (formerly Invitae), Labcorp
Classification: Pathogenic for Orofacial cleft 6, susceptibility to; Van der Woude syndrome; Popliteal pterygium syndrome. Last evaluated: 2019-01-26. Review status: criteria provided, single submitter. Criteria: Invitae Variant Classification Sherloc (09022015). Collection method: clinical testing. Allele origin: germline.
Comment: This sequence change creates a premature translational stop signal (p.Phe36Leufs*27) in the IRF6 gene. It is expected to result in an absent or disrupted protein product. This variant is not present in population databases (ExAC no frequency). This variant has not been reported in the literature in individuals with IRF6-related conditions. Loss-of-function variants in IRF6 are known to be pathogenic (PMID: 19282774, 23949966). For these reasons, this variant has been classified as Pathogenic.

Literature cited by the submitters: PubMed 19282774; PubMed 23949966.